The following is an entry in ClinVar:

NM_000553.6(WRN):c.2968-6T>G

Gene: WRN (WRN RecQ like helicase; plus strand). Cytogenetic location: 8p12.
Variant type: single nucleotide variant.
Coding change: c.2968-6T>G on transcript NM_000553.6 (MANE Select); 6 bases into the intron before coding-DNA position 2968, T replaced by G.
Molecular consequence: intron variant.
Genome position (GRCh38, 1-based): chr8:31,141,424, T>G. VCF-style: chr8-31141424-T-G. GRCh37 (hg19) VCF-style: chr8-30998940-T-G.
Identifiers: ClinVar variation 1392453 (VCV001392453.8), dbSNP rs2130414144, ClinGen allele CA2573142738.

ClinVar aggregate classification (germline): Uncertain significance (1 of 4 stars; one submission).

Conditions:
Werner syndrome (WRN). Identifiers: Orphanet 902, MedGen C0043119, MONDO:0010196, OMIM 277700.

Submission:

Labcorp Genetics (formerly Invitae), Labcorp
Classification: Uncertain significance for Werner syndrome. Last evaluated: 2021-05-02. Review status: criteria provided, single submitter. Criteria: Invitae Variant Classification Sherloc (09022015). Collection method: clinical testing. Allele origin: germline.
Comment: In summary, the available evidence is currently insufficient to determine the role of this variant in disease. Therefore, it has been classified as a Variant of Uncertain Significance. Algorithms developed to predict the effect of sequence changes on RNA splicing suggest that this variant may disrupt the consensus splice site, but this prediction has not been confirmed by published transcriptional studies. This variant has not been reported in the literature in individuals with WRN-related conditions. This variant is not present in population databases (ExAC no frequency). This sequence change falls in intron 24 of the WRN gene. It does not directly change the encoded amino acid sequence of the WRN protein.